The following is an entry in ClinVar:

ClinVar aggregate classification (germline): Uncertain significance (1 of 4 stars; one submission).

Allele frequency attached by ClinVar (database versions not stated): TOPMed below 0.00001; gnomAD 0.00001; gnomAD exomes 0.00002.
gnomAD v4.1: 29 of 1,551,608 alleles (0.0019%); highest among the groups gnomAD compares: Non-Finnish European, 0.0024%; no homozygotes.

Submission:

Labcorp Genetics (formerly Invitae), Labcorp
Classification: Uncertain significance. Last evaluated: 2021-11-22. Review status: criteria provided, single submitter. Criteria: Invitae Variant Classification Sherloc (09022015). Collection method: clinical testing. Allele origin: germline.
Comment: In summary, the available evidence is currently insufficient to determine the role of this variant in disease. Therefore, it has been classified as a Variant of Uncertain Significance. Algorithms developed to predict the effect of missense changes on protein structure and function are either unavailable or do not agree on the potential impact of this missense change (SIFT: "Not Available"; PolyPhen-2: "Possibly Damaging"; Align-GVGD: "Not Available"). This variant has not been reported in the literature in individuals affected with ADAMTS17-related conditions. This variant is not present in population databases (gnomAD no frequency). This sequence change replaces valine, which is neutral and non-polar, with isoleucine, which is neutral and non-polar, at codon 1027 of the ADAMTS17 protein (p.Val1027Ile).

NM_139057.4(ADAMTS17):c.3079G>A (p.Val1027Ile)

Gene: ADAMTS17 (ADAM metallopeptidase with thrombospondin type 1 motif 17; minus strand). Cytogenetic location: 15q26.3.
Variant type: single nucleotide variant.
Coding change: c.3079G>A on transcript NM_139057.4 (MANE Select); coding-DNA position 3079, G replaced by A.
Protein change: p.Val1027Ile; replaces valine 1027 with isoleucine.
Molecular consequence: missense variant.
Genome position (GRCh38, 1-based): chr15:99,976,093, C>T on the plus strand (G>A on the coding strand, the complement: ADAMTS17 is on the minus strand). VCF-style: chr15-99976093-C-T. GRCh37 (hg19) VCF-style: chr15-100516298-C-T.
Other names: short protein forms V1027I.
Identifiers: ClinVar variation 1470317 (VCV001470317.4), dbSNP rs755532897, ClinGen allele CA275488602.